The following is an entry in ClinVar:

ClinVar aggregate classification (germline): Uncertain significance (1 of 4 stars; one submission).

Allele frequency attached by ClinVar (database versions not stated): gnomAD 0.00001; TOPMed 0.00001.
gnomAD v4.1: 1 of 152,226 alleles (0.00066%); highest among the groups gnomAD compares: Non-Finnish European, 0.0015%; no homozygotes.

Submission:

Institute for Clinical Genetics, University Hospital TU Dresden, University Hospital TU Dresden
Classification: Uncertain significance. Last evaluated: 2023-07-05. Review status: criteria provided, single submitter. Criteria: ACMG Guidelines, 2015. Collection method: clinical testing. Allele origin: germline.
Comment: PM2_SUP

NM_001134407.3(GRIN2A):c.414+29155A>T

Gene: GRIN2A (glutamate ionotropic receptor NMDA type subunit 2A; minus strand). Cytogenetic location: 16p13.2.
Variant type: single nucleotide variant.
Coding change: c.414+29155A>T on transcript NM_001134407.3 (MANE Select); 29155 bases into the intron after coding-DNA position 414, A replaced by T.
Molecular consequence: intron variant.
Genome position (GRCh38, 1-based): chr16:10,150,843, T>A on the plus strand (A>T on the coding strand, the complement: GRIN2A is on the minus strand). VCF-style: chr16-10150843-T-A. GRCh37 (hg19) VCF-style: chr16-10244700-T-A.
Other names: c.414+29155A>T (NM_001134408.2, NM_000833.5).
Identifiers: ClinVar variation 2576167 (VCV002576167.1), dbSNP rs902926724, ClinGen allele CA277594221.